The following is an entry in ClinVar:

ClinVar aggregate classification (germline): Uncertain significance. Review status: criteria provided, multiple submitters, no conflicts (2 of 4 stars). 2 submissions from 2 submitters: Uncertain significance (2). Last evaluated 2022-08-09.

Allele frequency attached by ClinVar (database versions not stated): ExAC 0.00002; gnomAD 0.00002; TOPMed 0.00003; gnomAD exomes 0.00004 and 0.00008; ESP Exome Variant Server 0.00008.
gnomAD v4.1: 115 of 1,613,694 alleles (0.0071%); highest among the groups gnomAD compares: Non-Finnish European, 0.0086%; no homozygotes.

Submissions (2):

Labcorp Genetics (formerly Invitae), Labcorp
Classification: Uncertain significance. Last evaluated: 2022-08-09. Review status: criteria provided, single submitter. Criteria: Invitae Variant Classification Sherloc (09022015). Collection method: clinical testing. Allele origin: germline.
Comment: ClinVar contains an entry for this variant (Variation ID: 1349918). Experimental studies and prediction algorithms are not available or were not evaluated, and the functional significance of this variant is currently unknown. In summary, the available evidence is currently insufficient to determine the role of this variant in disease. Therefore, it has been classified as a Variant of Uncertain Significance. This sequence change replaces glutamic acid, which is acidic and polar, with alanine, which is neutral and non-polar, at codon 451 of the HTT protein (p.Glu451Ala). This variant is present in population databases (rs376039050, gnomAD 0.006%). This variant has not been reported in the literature in individuals affected with HTT-related conditions.

Breakthrough Genomics
Classification: Uncertain significance. Review status: criteria provided, single submitter. Criteria: ACMG Guidelines, 2015. Collection method: not provided. Allele origin: germline. Inheritance: Autosomal recessive inheritance. Affected: yes.

NM_001388492.1(HTT):c.1346A>C (p.Glu449Ala)

Gene: HTT (huntingtin; plus strand). Cytogenetic location: 4p16.3.
Variant type: single nucleotide variant.
Coding change: c.1346A>C on transcript NM_001388492.1 (MANE Select); coding-DNA position 1346, A replaced by C.
Protein change: p.Glu449Ala; replaces glutamic acid 449 with alanine.
Molecular consequence: missense variant.
Genome position (GRCh38, 1-based): chr4:3,125,573, A>C. VCF-style: chr4-3125573-A-C. GRCh37 (hg19) VCF-style: chr4-3127300-A-C.
Other names: c.1352A>C, p.Glu451Ala (NM_002111.8); short protein forms E451A, E449A.
Identifiers: ClinVar variation 1349918 (VCV001349918.7), dbSNP rs376039050, ClinGen allele CA2823531.